The following is an entry in ClinVar:

NM_172107.4(KCNQ2):c.869G>T (p.Gly290Val)

Gene: KCNQ2 (potassium voltage-gated channel subfamily Q member 2; minus strand). Cytogenetic location: 20q13.33.
Variant type: single nucleotide variant.
Coding change: c.869G>T on transcript NM_172107.4 (MANE Select); coding-DNA position 869, G replaced by T.
Protein change: p.Gly290Val; replaces glycine 290 with valine.
Molecular consequence: missense variant.
Genome position (GRCh38, 1-based): chr20:63,439,656, C>A on the plus strand (G>T on the coding strand, the complement: KCNQ2 is on the minus strand). VCF-style: chr20-63439656-C-A. GRCh37 (hg19) VCF-style: chr20-62071009-C-A.
Other names: c.869G>T, p.Gly290Val (NM_004518.6, NM_172106.3, NM_172108.5 and 1 more transcripts); short protein forms G290V.
Identifiers: ClinVar variation 523563 (VCV000523563.3), dbSNP rs397514582, ClinGen allele CA409652612.
Genomic context (GRCh38, chr20:63,439,656, plus strand): 5'-ACTGCAGGCAGCGCGAAGAAGGAGACACCGATGAGGGTGAAGGTTGCCGCAAGGAGCCTG[C>A]CGTTCCAGGTCTGGGGGTACTTGTCCCCGTAGCCAATGGTGGTCAGCGTGATCTGTGGGA-3'
Protein context (NP_742105.1, residues 280-300): YGDKYPQTWN[Gly290Val]RLLAATFTLI

ClinVar aggregate classification (germline): Pathogenic. Review status: criteria provided, multiple submitters, no conflicts (2 of 4 stars). 2 submissions from 2 submitters: Pathogenic (2). Last evaluated 2025-07-06.

Conditions:
Developmental and epileptic encephalopathy, 7 (DEE7). Also called: Early infantile epileptic encephalopathy 7; KCNQ2-Related Neonatal-Onset Developmental and Epileptic Encephalopathy (NEO-DEE); KCNQ2-Related Neonatal Epileptic Encephalopathy. Identifiers: Orphanet 439218, MedGen C3150986, MONDO:0013387, OMIM 613720.
Generalized hypotonia. Identifiers: MedGen C1858120, HP:0001290.
Seizure. Also called: Seizures. Identifiers: MedGen C0036572, HP:0001250.

Submissions (2):

3billion
Classification: Pathogenic for Developmental and epileptic encephalopathy, 7. Last evaluated: 2025-07-06. Review status: criteria provided, single submitter. Criteria: ACMG Guidelines, 2015. Collection method: clinical testing. Allele origin: germline. Affected: yes.
Comment: The variant is not observed in the gnomAD v4.1.0 dataset. Predicted Consequence/Location: The variant is located in a mutational hot spot and/or well-established functional domain in which established pathogenic variants have been reported. In silico tool predictions suggest damaging effect of the variant on gene or gene product [REVEL: 0.98 (>=0.6, sensitivity 0.68 and specificity 0.92); 3Cnet: 0.99 (> 0.75, sensitivity 0.96 and precision 0.92)]. The same nucleotide change resulting in the same amino acid change has been previously reported to be associated with KCNQ2-related disorder (ClinVar ID: VCV000523563 /PMID: 31623504). The variant has been previously reported as de novo in a similarly affected individual (PMID: 31623504). Different missense changes at the same codon (p.Gly290Asp, p.Gly290Cys, p.Gly290Ser) have been reported as pathogenic/likely pathogenic with strong evidence (ClinVar ID: VCV000039762, VCV000369768, VCV001803794 /PMID: 22275249, 23692823, 36801247 /3billion dataset). Therefore, this variant is classified as Pathogenic according to the recommendation of ACMG/AMP guideline.

Centre for Mendelian Genomics, University Medical Centre Ljubljana
Classification: Pathogenic for Generalized hypotonia; Seizure. Last evaluated: 2017-01-01. Review status: criteria provided, single submitter. Criteria: ACMG Guidelines, 2015. Collection method: clinical testing. Allele origin: unknown. Affected: yes.

Literature cited by the submitters: PubMed 31623504 (cited by 3billion); PubMed 22275249 (cited by 3billion).